The following is an entry in ClinVar:

NM_001315494.2(MYMX):c.239T>A (p.Leu80Ter)

Gene: MYMX (myomixer, myoblast fusion factor; plus strand). Cytogenetic location: 6p21.1.
Variant type: single nucleotide variant.
Coding change: c.239T>A on transcript NM_001315494.2 (MANE Select); coding-DNA position 239, T replaced by A.
Protein change: p.Leu80Ter; replaces leucine 80 with a stop codon.
Molecular consequence: nonsense.
Genome position (GRCh38, 1-based): chr6:44,217,710, T>A. VCF-style: chr6-44217710-T-A. GRCh37 (hg19) VCF-style: chr6-44185447-T-A.
Other names: c.239T>A, p.Leu80Ter (NM_001347931.2); short protein forms L80*.
Identifiers: ClinVar variation 4845832 (VCV004845832.1).

ClinVar aggregate classification (germline): Likely pathogenic (1 of 4 stars; one submission).

Conditions:
Carey-Fineman-Ziter syndrome 2 (CFZS2). Identifiers: MedGen C5677012, MONDO:0100292, OMIM 619941.

gnomAD v4.1: 198 of 400,906 alleles (0.049%); highest among the groups gnomAD compares: Admixed American, 0.013%; 1 homozygote.

Submission:

First Genomix Gene Laboratory, Genetic Diagnostics Department
Classification: Likely pathogenic for Carey-Fineman-Ziter syndrome 2. Last evaluated: 2025-03-27. Review status: criteria provided, single submitter. Criteria: ACMG Guidelines, 2015. Collection method: clinical testing. Allele origin: germline. Inheritance: Autosomal recessive inheritance. Affected: no. Observed: 1 variant allele.